The following is an entry in ClinVar:

ClinVar aggregate classification (germline): Uncertain significance. Review status: criteria provided, multiple submitters, no conflicts (2 of 4 stars). 2 submissions from 2 submitters: Uncertain significance (2). Last evaluated 2025-12-03.

Conditions:
Aortic valve disease 2 (AOVD2). Identifiers: MedGen C3542024, MONDO:0013902, OMIM 614823.
Inborn genetic diseases. Identifiers: MedGen C0950123, MeSH D030342.

Allele frequency attached by ClinVar (database versions not stated): gnomAD 0.00001; TOPMed 0.00003; gnomAD exomes 0.00004 and 0.00006.

Submissions (2):

Labcorp Genetics (formerly Invitae), Labcorp
Classification: Uncertain significance for Aortic valve disease 2. Last evaluated: 2025-12-03. Review status: criteria provided, single submitter. Criteria: Invitae Variant Classification Sherloc (09022015). Collection method: clinical testing. Allele origin: germline.
Comment: This sequence change replaces proline, which is neutral and non-polar, with leucine, which is neutral and non-polar, at codon 243 of the SMAD6 protein (p.Pro243Leu). This variant is present in population databases (no rsID available, gnomAD 0.01%). This variant has not been reported in the literature in individuals affected with SMAD6-related conditions. ClinVar contains an entry for this variant (Variation ID: 571024). Invitae Evidence Modeling of protein sequence and biophysical properties (such as structural, functional, and spatial information, amino acid conservation, physicochemical variation, residue mobility, and thermodynamic stability) indicates that this missense variant is not expected to disrupt SMAD6 protein function with a negative predictive value of 80%. In summary, the available evidence is currently insufficient to determine the role of this variant in disease. Therefore, it has been classified as a Variant of Uncertain Significance.

Ambry Genetics
Classification: Uncertain significance for Inborn genetic diseases. Last evaluated: 2025-09-01. Review status: criteria provided, single submitter. Criteria: Ambry Variant Classification Scheme 2023. Collection method: clinical testing. Allele origin: germline.

NM_005585.5(SMAD6):c.728C>T (p.Pro243Leu)

Gene: SMAD6 (SMAD family member 6; plus strand). Cytogenetic location: 15q22.31.
Variant type: single nucleotide variant.
Coding change: c.728C>T on transcript NM_005585.5 (MANE Select); coding-DNA position 728, C replaced by T.
Protein change: p.Pro243Leu; replaces proline 243 with leucine.
Molecular consequence: missense variant. On other transcripts: non-coding transcript variant (1).
Genome position (GRCh38, 1-based): chr15:66,703,986, C>T. VCF-style: chr15-66703986-C-T. GRCh37 (hg19) VCF-style: chr15-66996324-C-T.
Other names: short protein forms P243L.
Identifiers: ClinVar variation 571024 (VCV000571024.12), dbSNP rs946670694, ClinGen allele CA271683485.
Genomic context (GRCh38, chr15:66,703,986, plus strand): 5'-AGCTGCTGCTCGGCCGCCTCTTTCGCTGGCCCGACCTGCAGCACGCCGTGGAGCTGAAGC[C>T]CCTGTGCGGCTGCCACAGCTTCGCCGCCGCCGCCGACGGCCCTACCGTGTGCTGCAACCC-3'
Protein context (NP_005576.3, residues 233-253): PDLQHAVELK[Pro243Leu]LCGCHSFAAA